The following is an entry in ClinVar:

NM_000152.5(GAA):c.2066_2069del (p.Glu689fs)

Gene: GAA (alpha glucosidase; plus strand). Cytogenetic location: 17q25.3.
Variant type: Deletion.
Coding change: c.2066_2069del on transcript NM_000152.5 (MANE Select); coding-DNA positions 2066 to 2069, 4 bases deleted (AGCC; older notation c.2066_2069delAGCC).
Protein change: p.Glu689fs; shifts the reading frame from glutamic acid 689.
Molecular consequence: frameshift variant.
Genome position (GRCh38, 1-based): chr17:80,113,243-80,113,246, AGCC deleted. VCF-style (leftmost placement, unchanged base first): chr17-80113242-GAGCC-G. GRCh37 (hg19) VCF-style: chr17-78087041-GAGCC-G.
Other names: c.2066_2069del, p.Glu689fs (NM_001079803.3, NM_001079804.3, NM_001406741.1 and 1 more transcripts); short protein forms E689fs.
Identifiers: ClinVar variation 2501047 (VCV002501047.7), dbSNP rs2510386025, ClinGen allele CA2580612684.
Genomic context (GRCh38, chr17:80,113,242, plus strand): 5'-ACCCAAGTGCTTCCTTTGCCCCCGCCTGCCCTGCAGCCCCAGGAGCCGTACAGCTTCAGC[GAGCC>G]GGCCCAGCAGGCCATGAGGAAGGCCCTCACCCTGCGCTACGCACTCCTCCCCCACCTCTA-3'

ClinVar aggregate classification (germline): Pathogenic. Review status: criteria provided, multiple submitters, no conflicts (2 of 4 stars). 6 submissions from 6 submitters: Pathogenic (6). Last evaluated 2026-07-01.

Conditions:
Glycogen storage disease, type II (IOPD). Also called: CARDIOMEGALIA GLYCOGENICA DIFFUSA; GLYCOGENOSIS, GENERALIZED, CARDIAC FORM; GSD II; Glycogen storage disease type 2; Acid maltase deficiency disease; Aglucosidase alfa. Identifiers: Orphanet 365, MedGen C0017921, MONDO:0009290, OMIM 232300.

Submissions (6):

Genomenon, Inc
Classification: Pathogenic for Glycogen storage disease, type II. Last evaluated: 2026-07-01. Review status: criteria provided, single submitter. Criteria: Genomenon Sequence Variant Interpretation Standards - Updated. Collection method: curation. Allele origin: germline. Affected: yes.
Comment: GAA p.Glu689GlyfsTer6 (c.2066_2069del) is a frameshift variant that is predicted to introduce a premature termination codon and result in a truncated or absent protein product. This variant has been observed in at least one proband with a GAA-related disorder (PMID:35532199). It is absent or not present at a significant frequency in gnomAD. In conclusion, we classify GAA p.Glu689GlyfsTer6 (c.2066_2069del) as a pathogenic variant.

Natera, Inc.
Classification: Pathogenic for Glycogen storage disease type II. Last evaluated: 2025-06-30. Review status: criteria provided, single submitter. Criteria: Natera Variant Classification Schema (03/2026). Collection method: clinical testing. Allele origin: germline.
Comment: The c.2066_2069delAGCC variant in GAA is a frameshift variant predicted to shift the reading frame beginning at codon 689 and leads to a stop codon 6 codons downstream. This variant is expected to result in nonsense mediated decay, truncation, or a dysfunctional protein product. This variant is rare in the general population with a frequency below the threshold expected for the associated phenotype(s). This variant has been observed in one or more individuals affected with the associated recessive disease, as either homozygous or compound heterozygous with a second variant (PMID: 35532199). Given the available evidence, this variant is classified as Pathogenic.

Labcorp Genetics (formerly Invitae), Labcorp
Classification: Pathogenic for Glycogen storage disease, type II. Last evaluated: 2024-08-04. Review status: criteria provided, single submitter. Criteria: Invitae Variant Classification Sherloc (09022015). Collection method: clinical testing. Allele origin: germline.
Comment: This sequence change creates a premature translational stop signal (p.Glu689Glyfs*6) in the GAA gene. It is expected to result in an absent or disrupted protein product. Loss-of-function variants in GAA are known to be pathogenic (PMID: 18425781, 22252923). This variant is not present in population databases (gnomAD no frequency). This premature translational stop signal has been observed in individual(s) with Pompe disease (PMID: 35532199). ClinVar contains an entry for this variant (Variation ID: 2501047). For these reasons, this variant has been classified as Pathogenic.

Revvity Omics, Revvity
Classification: Pathogenic. Last evaluated: 2024-06-20. Review status: criteria provided, single submitter. Criteria: ACMG Guidelines, 2015. Collection method: clinical testing. Allele origin: germline.

Baylor Genetics
Classification: Pathogenic for Glycogen storage disease, type II. Last evaluated: 2023-08-23. Review status: criteria provided, single submitter. Criteria: ACMG Guidelines, 2015. Collection method: clinical testing. Allele origin: unknown.

Women's Health and Genetics/Laboratory Corporation of America, LabCorp
Classification: Pathogenic for Glycogen storage disease, type II. Last evaluated: 2023-03-28. Review status: criteria provided, single submitter. Criteria: LabCorp Variant Classification Summary - May 2015. Collection method: clinical testing. Allele origin: germline.
Comment: Variant summary: GAA c.2066_2069delAGCC (p.Glu689GlyfsX6) results in a premature termination codon, predicted to cause a truncation of the encoded protein or absence of the protein due to nonsense mediated decay, which are commonly known mechanisms for disease. Truncations downstream of this position have been classified as pathogenic by our laboratory. The variant was absent in 225448 control chromosomes (gnomAD). c.2066_2069delAGCC has been reported in the literature in a homozygous individual affected with Glycogen Storage Disease (Infantile Pompe Disease) with near absent enzyme activity in dried blood spot (example: Ceron- Rodriguez_2022). These data indicate that the variant is very likely associated with disease. No clinical diagnostic laboratories have submitted clinical-significance assessments for this variant to ClinVar after 2014. Based on the evidence outlined above, the variant was classified as pathogenic.

Literature cited by the submitters: PubMed 35532199 (cited by 4 submitters); PubMed 18425781 (cited by Labcorp Genetics (formerly Invitae), Labcorp); PubMed 22252923 (cited by Labcorp Genetics (formerly Invitae), Labcorp).